The following is an entry in ClinVar:

ClinVar aggregate classification (germline): Uncertain significance (1 of 4 stars; one submission).

Submission:

GeneDx
Classification: Uncertain significance. Last evaluated: 2025-05-08. Review status: criteria provided, single submitter. Criteria: GeneDx Variant Classification Process June 2021. Collection method: clinical testing. Allele origin: germline. Affected: yes.
Comment: Not observed at significant frequency in large population cohorts (gnomAD); In silico analysis supports that this missense variant has a deleterious effect on protein structure/function; Has not been previously published as pathogenic or benign to our knowledge

NM_001079668.3(NKX2-1):c.470G>C (p.Arg157Pro)

Genes: SFTA3 (surfactant associated 3; minus strand), NKX2-1 (NK2 homeobox 1; minus strand). Cytogenetic location: 14q13.3.
Variant type: single nucleotide variant.
Coding change: c.470G>C on transcript NM_001079668.3 (MANE Select); coding-DNA position 470, G replaced by C.
Protein change: p.Arg157Pro; replaces arginine 157 with proline.
Molecular consequence: missense variant.
Genome position (GRCh38, 1-based): chr14:36,518,014, C>G on the plus strand (G>C on the coding strand, the complement: NKX2-1 is on the minus strand). VCF-style: chr14-36518014-C-G. GRCh37 (hg19) VCF-style: chr14-36987219-C-G.
Other names: c.380G>C, p.Arg127Pro (NM_003317.4); short protein forms R127P, R157P.
Identifiers: ClinVar variation 4529766 (VCV004529766.1).